The following is an entry in ClinVar:

NM_001039141.3(TRIOBP):c.2363G>A (p.Arg788Gln)

Gene: TRIOBP (TRIO and F-actin binding protein; plus strand). Cytogenetic location: 22q13.1.
Variant type: single nucleotide variant.
Coding change: c.2363G>A on transcript NM_001039141.3 (MANE Select); coding-DNA position 2363, G replaced by A.
Protein change: p.Arg788Gln; replaces arginine 788 with glutamine.
Molecular consequence: missense variant.
Genome position (GRCh38, 1-based): chr22:37,724,919, G>A. VCF-style: chr22-37724919-G-A. GRCh37 (hg19) VCF-style: chr22-38120926-G-A.
Other names: short protein forms R788Q.
Identifiers: ClinVar variation 1910760 (VCV001910760.5), dbSNP rs766058467, ClinGen allele CA10223859.
Genomic context (GRCh38, chr22:37,724,919, plus strand): 5'-TCAGAACATCCTGTACCCGACAGGACAATCCCAGGACCTCCTCTCCCAATAGAGCCACAC[G>A]AGACAACCCCAGAACATCCTGTGCCCAGCGGGACAATCTCAGAGCCTCCTCTCCCATCAG-3'
Protein context (NP_001034230.1, residues 778-798): PRTSSPNRAT[Arg788Gln]DNPRTSCAQR

ClinVar aggregate classification (germline): Uncertain significance (1 of 4 stars; one submission).

Allele frequency attached by ClinVar (database versions not stated): gnomAD exomes below 0.00001; ExAC 0.00002.
gnomAD v4.1: 7 of 1,598,764 alleles (0.00044%); highest among the groups gnomAD compares: African/African-American, 0.0028%; no homozygotes.

Submission:

Labcorp Genetics (formerly Invitae), Labcorp
Classification: Uncertain significance. Last evaluated: 2023-11-20. Review status: criteria provided, single submitter. Criteria: Invitae Variant Classification Sherloc (09022015). Collection method: clinical testing. Allele origin: germline.
Comment: This sequence change replaces arginine, which is basic and polar, with glutamine, which is neutral and polar, at codon 788 of the TRIOBP protein (p.Arg788Gln). This variant is present in population databases (rs766058467, gnomAD 0.007%). This variant has not been reported in the literature in individuals affected with TRIOBP-related conditions. ClinVar contains an entry for this variant (Variation ID: 1910760). Algorithms developed to predict the effect of missense changes on protein structure and function output the following: SIFT: "Not Available"; PolyPhen-2: "Benign"; Align-GVGD: "Not Available". The glutamine amino acid residue is found in multiple mammalian species, which suggests that this missense change does not adversely affect protein function. In summary, the available evidence is currently insufficient to determine the role of this variant in disease. Therefore, it has been classified as a Variant of Uncertain Significance.